The following is an entry in ClinVar:

ClinVar aggregate classification (germline): Uncertain significance (1 of 4 stars; one submission).

Conditions:
Primary ciliary dyskinesia. Also called: Ciliary dyskinesia. Identifiers: Orphanet 244, MedGen C0008780, MONDO:0016575, HP:0012265.

Submission:

Labcorp Genetics (formerly Invitae), Labcorp
Classification: Uncertain significance for Primary ciliary dyskinesia. Last evaluated: 2018-05-13. Review status: criteria provided, single submitter. Criteria: Invitae Variant Classification Sherloc (09022015). Collection method: clinical testing. Allele origin: germline.
Comment: Algorithms developed to predict the effect of missense changes on protein structure and function output the following: SIFT: "Tolerated"; PolyPhen-2: "Benign"; Align-GVGD: "Class C0". The lysine amino acid residue is found in multiple mammalian species, suggesting that this missense change does not adversely affect protein function. These predictions have not been confirmed by published functional studies and their clinical significance is uncertain. In summary, the available evidence is currently insufficient to determine the role of this variant in disease. Therefore, it has been classified as a Variant of Uncertain Significance. This variant has not been reported in the literature in individuals with DNAH5-related disease. This variant is not present in population databases (ExAC no frequency). This sequence change replaces asparagine with lysine at codon 1001 of the DNAH5 protein (p.Asn1001Lys). The asparagine residue is weakly conserved and there is a moderate physicochemical difference between asparagine and lysine.

NM_001369.3(DNAH5):c.3003C>A (p.Asn1001Lys)

Genes: DNAH5 (dynein axonemal heavy chain 5; minus strand), DNAH5-AS1 (DNAH5 antisense RNA 1; plus strand). Cytogenetic location: 5p15.2.
Variant type: single nucleotide variant.
Coding change: c.3003C>A on transcript NM_001369.3 (MANE Select); coding-DNA position 3003, C replaced by A.
Protein change: p.Asn1001Lys; replaces asparagine 1001 with lysine.
Molecular consequence: missense variant.
Genome position (GRCh38, 1-based): chr5:13,883,075, G>T on the plus strand (C>A on the coding strand, the complement: DNAH5 is on the minus strand). VCF-style: chr5-13883075-G-T. GRCh37 (hg19) VCF-style: chr5-13883184-G-T.
Other names: short protein forms N1001K.
Identifiers: ClinVar variation 574866 (VCV000574866.9), dbSNP rs752944631, ClinGen allele CA359194254.